The following is an entry in ClinVar:

NM_000152.5(GAA):c.1681_1699dup (p.Thr567fs)

Gene: GAA (alpha glucosidase; plus strand). Cytogenetic location: 17q25.3.
Variant type: Duplication.
Coding change: c.1681_1699dup on transcript NM_000152.5 (MANE Select); coding-DNA positions 1681 to 1699, 19 bases duplicated (AGCCACCAGTTTCTCTCCA).
Protein change: p.Thr567fs; shifts the reading frame from threonine 567.
Molecular consequence: frameshift variant.
Genome position (GRCh38, 1-based): chr17:80,112,027-80,112,045, AGCCACCAGTTTCTCTCCA duplicated. VCF-style (leftmost placement, unchanged base first): chr17-80112026-C-CAGCCACCAGTTTCTCTCCA. GRCh37 (hg19) VCF-style: chr17-78085825-C-CAGCCACCAGTTTCTCTCCA.
Other names: c.1681_1699dup, p.Thr567fs (NM_001079803.3, NM_001079804.3, NM_001406741.1 and 1 more transcripts); short protein forms T567fs.
Identifiers: ClinVar variation 4876277 (VCV004876277.1).

ClinVar aggregate classification (germline): Pathogenic (1 of 4 stars; one submission).

Conditions:
Glycogen storage disease, type II (IOPD). Also called: Pompe Disease; CARDIOMEGALIA GLYCOGENICA DIFFUSA; GLYCOGENOSIS, GENERALIZED, CARDIAC FORM; GSD II; POMPE DISEASE, INFANTILE-ONSET; GLYCOGEN STORAGE DISEASE II, INFANTILE-ONSET. Identifiers: Orphanet 365, MedGen C0017921, MONDO:0009290, OMIM 232300.

Submission:

Genomenon, Inc
Classification: Pathogenic for Glycogen storage disease, type II. Last evaluated: 2026-07-01. Review status: criteria provided, single submitter. Criteria: Genomenon Sequence Variant Interpretation Standards - Updated. Collection method: curation. Allele origin: germline. Affected: yes.
Comment: GAA p.Thr567LysfsTer75 (c.1681_1699dup) is a frameshift variant that is predicted to introduce a premature termination codon and result in a truncated or absent protein product. This variant has been observed in at least one proband with a GAA-related disorder (PMID:32248831). It is absent or not present at a significant frequency in gnomAD. In conclusion, we classify GAA p.Thr567LysfsTer75 (c.1681_1699dup) as a pathogenic variant.

Literature cited by the submitters: PubMed 32248831.